The following is an entry in ClinVar:

NM_001042681.2(RERE):c.4304A>T (p.His1435Leu)

Gene: RERE (arginine-glutamic acid dipeptide repeats; minus strand). Cytogenetic location: 1p36.23.
Variant type: single nucleotide variant.
Coding change: c.4304A>T on transcript NM_001042681.2 (MANE Select); coding-DNA position 4304, A replaced by T.
Protein change: p.His1435Leu; replaces histidine 1435 with leucine.
Molecular consequence: missense variant.
Genome position (GRCh38, 1-based): chr1:8,358,231, T>A on the plus strand (A>T on the coding strand, the complement: RERE is on the minus strand). VCF-style: chr1-8358231-T-A. GRCh37 (hg19) VCF-style: chr1-8418291-T-A.
Other names: c.2642A>T, p.His881Leu (NM_001042682.2); c.4304A>T, p.His1435Leu (NM_012102.4); short protein forms H1435L, H881L.
Identifiers: ClinVar variation 452391 (VCV000452391.2), dbSNP rs1553154130, ClinGen allele CA338168782.

ClinVar aggregate classification (germline): Likely pathogenic. Review status: criteria provided, multiple submitters, no conflicts (2 of 4 stars). 2 submissions from 2 submitters: Likely pathogenic (2). Last evaluated 2017-10-03.

Conditions:
Neurodevelopmental disorder with or without anomalies of the brain, eye, or heart (NEDBEH). Identifiers: Orphanet 494344, MedGen C5567477, MONDO:0014857, OMIM 616975.

Submissions (2):

GeneDx
Classification: Likely pathogenic. Last evaluated: 2017-10-03. Review status: criteria provided, single submitter. Criteria: GeneDx Variant Classification (06012015). Collection method: clinical testing. Allele origin: germline. Affected: yes.
Comment: The H1435L variant in the RERE gene has not been reported previously as a pathogenic variant, nor as a benign variant, to our knowledge. The H1435L variant is not observed in large population cohorts (Lek et al., 2016). The H1435L variant is a non-conservative amino acid substitution, which is likely to impact secondary protein structure as these residues differ in polarity, charge, size and/or other properties. This substitution occurs at a position that is conserved across species. In silico analysis predicts this variant is probably damaging to the protein structure/function. We interpret H1435L as a likely pathogenic variant.

Daryl Scott Lab, Baylor College of Medicine
Classification: Likely pathogenic for Neurodevelopmental disorder with or without anomalies of the brain, eye, or heart. Last evaluated: 2017-09-12. Review status: criteria provided, single submitter. Criteria: Jordan VK et al. (Hum Mutat 2018). Collection method: clinical testing. Allele origin: de novo. Affected: yes. Observed: 1 variant allele.
Comment: Co-occurant with c.3292C>G variant